The following is an entry in ClinVar:

ClinVar aggregate classification (germline): Uncertain significance (1 of 4 stars; one submission).

Conditions:
Epileptic encephalopathy. Identifiers: MedGen C0543888, HP:0200134.

Submission:

Labcorp Genetics (formerly Invitae), Labcorp
Classification: Uncertain significance for Epileptic encephalopathy. Last evaluated: 2024-03-01. Review status: criteria provided, single submitter. Criteria: Invitae Variant Classification Sherloc (09022015). Collection method: clinical testing. Allele origin: germline.
Comment: This sequence change replaces alanine, which is neutral and non-polar, with threonine, which is neutral and polar, at codon 182 of the FASN protein (p.Ala182Thr). This variant is not present in population databases (gnomAD no frequency). This variant has not been reported in the literature in individuals affected with FASN-related conditions. An algorithm developed to predict the effect of missense changes on protein structure and function (PolyPhen-2) suggests that this variant is likely to be disruptive. In summary, the available evidence is currently insufficient to determine the role of this variant in disease. Therefore, it has been classified as a Variant of Uncertain Significance.

NM_004104.5(FASN):c.544G>A (p.Ala182Thr)

Gene: FASN (fatty acid synthase; minus strand). Cytogenetic location: 17q25.3.
Variant type: single nucleotide variant.
Coding change: c.544G>A on transcript NM_004104.5 (MANE Select); coding-DNA position 544, G replaced by A.
Protein change: p.Ala182Thr; replaces alanine 182 with threonine.
Molecular consequence: missense variant.
Genome position (GRCh38, 1-based): chr17:82,093,330, C>T on the plus strand (G>A on the coding strand, the complement: FASN is on the minus strand). VCF-style: chr17-82093330-C-T. GRCh37 (hg19) VCF-style: chr17-80051206-C-T.
Other names: short protein forms A182T.
Identifiers: ClinVar variation 3627238 (VCV003627238.2).
Genomic context (GRCh38, chr17:82,093,330, plus strand): 5'-TCAAGAACTGCACGGAGGTGTTGGGCTTCAGCAGGACATTGATGCCCCCCACGATGGCGG[C>T]AGGGCACTGCCCGCTGTGGATGGCCTGGTAGGCGTTCTGCAGGGCCATCAGGCTGGAGGA-3'
Protein context (NP_004095.4, residues 172-192): YQAIHSGQCP[Ala182Thr]AIVGGINVLL